The following is an entry in ClinVar:

ClinVar aggregate classification (germline): Uncertain significance (1 of 4 stars; one submission).

Conditions:
Inborn genetic diseases. Identifiers: MedGen C0950123, MeSH D030342.

Submission:

Ambry Genetics
Classification: Uncertain significance for Inborn genetic diseases. Last evaluated: 2026-07-02. Review status: criteria provided, single submitter. Criteria: Ambry Variant Classification Scheme 2023. Collection method: clinical testing. Allele origin: germline.
Comment: The p.V1024M variant (also known as c.3070G>A), located in coding exon 14 of the ATP7B gene, results from a G to A substitution at nucleotide position 3070. The valine at codon 1024 is replaced by methionine, an amino acid with highly similar properties. This amino acid position is conserved. In addition, this alteration is predicted to be deleterious by in silico analysis. Based on the available evidence, the clinical significance of this variant remains unclear.

NM_000053.4(ATP7B):c.3070G>A (p.Val1024Met)

Gene: ATP7B (ATPase copper transporting beta; minus strand). Cytogenetic location: 13q14.3.
Variant type: single nucleotide variant.
Coding change: c.3070G>A on transcript NM_000053.4 (MANE Select); coding-DNA position 3070, G replaced by A.
Protein change: p.Val1024Met; replaces valine 1024 with methionine.
Molecular consequence: missense variant. On other transcripts: intron variant (1).
Genome position (GRCh38, 1-based): chr13:51,944,282, C>T on the plus strand (G>A on the coding strand, the complement: ATP7B is on the minus strand). VCF-style: chr13-51944282-C-T. GRCh37 (hg19) VCF-style: chr13-52518418-C-T.
Other names: c.2926G>A, p.Val976Met (NM_001406522.1, NM_001406520.1, NM_001406521.1); c.2893G>A, p.Val965Met (NM_001406524.1); c.2875G>A, p.Val959Met (NM_001406525.1); c.3070G>A, p.Val1024Met (NM_001406526.1, NM_001406511.1, NM_001406512.1); c.2836G>A, p.Val946Met (NM_001406527.1, NM_001406528.1, NM_001330578.2 and 1 more transcripts); c.2830G>A, p.Val944Met (NM_001406530.1); c.2818G>A, p.Val940Met (NM_001406531.1, NM_001406532.1, NM_001330579.2); c.2782G>A, p.Val928Met (NM_001406534.1); and 19 more; short protein forms V1006M, V1013M, V1024M, V743M, V817M, V911M, V914M, V940M.
Identifiers: ClinVar variation 5032376 (VCV005032376.1).